The following is an entry in ClinVar:

ClinVar aggregate classification (germline): Uncertain significance. Review status: criteria provided, single submitter (1 of 4 stars). 2 submissions from 2 submitters: Uncertain significance (1). 1 of the submissions does not count toward it. Last evaluated 2023-05-31.

Conditions:
Inborn genetic diseases. Identifiers: MedGen C0950123, MeSH D030342.
DYRK1B-related disorder. Also called: DYRK1B-related condition.

gnomAD v4.1: 11 of 1,523,914 alleles (0.00072%); highest among the groups gnomAD compares: South Asian, 0.0013%; no homozygotes.

Submissions (2):

Ambry Genetics
Classification: Uncertain significance for Inborn genetic diseases. Last evaluated: 2023-05-31. Review status: criteria provided, single submitter. Criteria: Ambry Variant Classification Scheme 2023. Collection method: clinical testing. Allele origin: germline.

PreventionGenetics, part of Exact Sciences
Classification: Uncertain significance for DYRK1B-related condition. Last evaluated: 2024-07-25. Review status: no assertion criteria provided. Collection method: clinical testing. Allele origin: germline. Not counted in ClinVar's aggregate classification.
Comment: The DYRK1B c.1652G>C variant is predicted to result in the amino acid substitution p.Arg551Pro. To our knowledge, this variant has not been reported in the literature. This variant is reported in 0.0012% of alleles in individuals of European (Non-Finnish) descent in gnomAD. At this time, the clinical significance of this variant is uncertain due to the absence of conclusive functional and genetic evidence.

NM_004714.3(DYRK1B):c.1652G>C (p.Arg551Pro)

Gene: DYRK1B (dual specificity tyrosine phosphorylation regulated kinase 1B; minus strand). Cytogenetic location: 19q13.2.
Variant type: single nucleotide variant.
Coding change: c.1652G>C on transcript NM_004714.3 (MANE Select); coding-DNA position 1652, G replaced by C.
Protein change: p.Arg551Pro; replaces arginine 551 with proline.
Molecular consequence: missense variant.
Genome position (GRCh38, 1-based): chr19:39,825,953, C>G on the plus strand (G>C on the coding strand, the complement: DYRK1B is on the minus strand). VCF-style: chr19-39825953-C-G. GRCh37 (hg19) VCF-style: chr19-40316593-C-G.
Other names: c.1532G>C, p.Arg511Pro (NM_006483.3); c.1568G>C, p.Arg523Pro (NM_006484.3); c.1652G>C (NM_004714.2); short protein forms R551P, R511P, R523P.
Identifiers: ClinVar variation 2554570 (VCV002554570.3), dbSNP rs370916863, ClinGen allele CA9433956.
Genomic context (GRCh38, chr19:39,825,953, plus strand): 5'-CCGCCCACCAGGCTCACATCCATCAGCTCCGGGGGTGGTGGTGAGGTTGGTGATGGGGGA[C>G]GACCAAGGTATCGGGGCTGGGGGGGTAACTGGGCCCCGGTCCCAGGCAGTGACGAGGCAG-3'
Protein context (NP_004705.1, residues 541-561): QLPPQPRYLG[Arg551Pro]PPSPTSPPPP